The following is an entry in ClinVar:

NM_020338.4(ZMIZ1):c.2201C>T (p.Thr734Met)

Gene: ZMIZ1 (zinc finger MIZ-type containing 1; plus strand). Cytogenetic location: 10q22.3.
Variant type: single nucleotide variant.
Coding change: c.2201C>T on transcript NM_020338.4 (MANE Select); coding-DNA position 2201, C replaced by T.
Protein change: p.Thr734Met; replaces threonine 734 with methionine.
Molecular consequence: missense variant.
Genome position (GRCh38, 1-based): chr10:79,304,090, C>T. VCF-style: chr10-79304090-C-T. GRCh37 (hg19) VCF-style: chr10-81063847-C-T.
Other names: short protein forms T734M.
Identifiers: ClinVar variation 2579421 (VCV002579421.2), dbSNP rs749056628, ClinGen allele CA5572939.
Genomic context (GRCh38, chr10:79,304,090, plus strand): 5'-GCAGCGTGGCTGCCTCCTCGGGCAACACGACCCTCAACGGGGAGGATGGGGTGGAGCAGA[C>T]GGCCATCAAGGTGTCTCTGAAGTGCCCCATCACATTCCGGCGCATCCAGCTGCCTGCTCG-3'
Protein context (NP_065071.1, residues 724-744): TLNGEDGVEQ[Thr734Met]AIKVSLKCPI

ClinVar aggregate classification (germline): Uncertain significance (1 of 4 stars; one submission).

Allele frequency attached by ClinVar (database versions not stated): ExAC 0.00001; gnomAD exomes 0.00001.
gnomAD v4.1: 7 of 1,614,208 alleles (0.00043%); highest among the groups gnomAD compares: Non-Finnish European, 0.00059%; no homozygotes.

Submission:

GeneDx
Classification: Uncertain significance. Last evaluated: 2025-04-10. Review status: criteria provided, single submitter. Criteria: GeneDx Variant Classification Process June 2021. Collection method: clinical testing. Allele origin: germline. Affected: yes.
Comment: Not observed at significant frequency in large population cohorts (gnomAD); In silico analysis supports that this missense variant has a deleterious effect on protein structure/function; Has not been previously published as pathogenic or benign to our knowledge